The following is an entry in ClinVar:

NM_001197104.2(KMT2A):c.9847C>T (p.Arg3283Ter)

Gene: KMT2A (lysine methyltransferase 2A; plus strand). Cytogenetic location: 11q23.3.
Variant type: single nucleotide variant.
Coding change: c.9847C>T on transcript NM_001197104.2 (MANE Select); coding-DNA position 9847, C replaced by T.
Protein change: p.Arg3283Ter; replaces arginine 3283 with a stop codon.
Molecular consequence: nonsense.
Genome position (GRCh38, 1-based): chr11:118,505,739, C>T. VCF-style: chr11-118505739-C-T. GRCh37 (hg19) VCF-style: chr11-118376454-C-T.
Other names: c.9847C>T (NM_001197104.1); c.9838C>T, p.Arg3280Ter (NM_005933.4); short protein forms R3280*, R3283*.
Identifiers: ClinVar variation 1701833 (VCV001701833.5), dbSNP rs2134408087, ClinGen allele CA382821961.

ClinVar aggregate classification (germline): Pathogenic/Likely pathogenic. Review status: criteria provided, multiple submitters, no conflicts (2 of 4 stars). 3 submissions from 3 submitters: Pathogenic (2); Likely pathogenic (1). Last evaluated 2023-06-18.

Conditions:
Neurodevelopmental disorder. Identifiers: MONDO:0700092, MedGen C1535926, MeSH D065886.

Submissions (3):

GeneDx
Classification: Pathogenic. Last evaluated: 2023-06-18. Review status: criteria provided, single submitter. Criteria: GeneDx Variant Classification Process June 2021. Collection method: clinical testing. Allele origin: germline. Affected: yes.
Comment: Nonsense variant predicted to result in protein truncation or nonsense mediated decay in a gene for which loss of function is a known mechanism of disease; Not observed at significant frequency in large population cohorts (gnomAD); Has not been previously published as pathogenic or benign to our knowledge

Labcorp Genetics (formerly Invitae), Labcorp
Classification: Pathogenic. Last evaluated: 2023-05-22. Review status: criteria provided, single submitter. Criteria: Invitae Variant Classification Sherloc (09022015). Collection method: clinical testing. Allele origin: germline.
Comment: For these reasons, this variant has been classified as Pathogenic. This sequence change creates a premature translational stop signal (p.Arg3283*) in the KMT2A gene. It is expected to result in an absent or disrupted protein product. Loss-of-function variants in KMT2A are known to be pathogenic (PMID: 22795537, 25574841, 25810209, 28120103, 29574747, 31157197, 31337854). This variant is not present in population databases (gnomAD no frequency). This variant has not been reported in the literature in individuals affected with KMT2A-related conditions. ClinVar contains an entry for this variant (Variation ID: 1701833).

Laboratory of Molecular Genetics (Pr. Bezieau's lab), CHU de Nantes
Classification: Likely pathogenic for Neurodevelopmental disorder. Last evaluated: 2022-08-01. Review status: criteria provided, single submitter. Criteria: ACMG Guidelines, 2015. Collection method: clinical testing. Allele origin: germline. Affected: yes.

Literature cited by the submitters: PubMed 22795537 (cited by Labcorp Genetics (formerly Invitae), Labcorp); PubMed 25574841 (cited by Labcorp Genetics (formerly Invitae), Labcorp); PubMed 25810209 (cited by Labcorp Genetics (formerly Invitae), Labcorp); PubMed 28120103 (cited by Labcorp Genetics (formerly Invitae), Labcorp); PubMed 29574747 (cited by Labcorp Genetics (formerly Invitae), Labcorp); PubMed 31157197 (cited by Labcorp Genetics (formerly Invitae), Labcorp); PubMed 31337854 (cited by Labcorp Genetics (formerly Invitae), Labcorp).